The following is an entry in ClinVar:

NM_024301.5(FKRP):c.1201G>A (p.Asp401Asn)

Gene: FKRP (fukutin related protein; plus strand). Cytogenetic location: 19q13.32.
Variant type: single nucleotide variant.
Coding change: c.1201G>A on transcript NM_024301.5 (MANE Select); coding-DNA position 1201, G replaced by A.
Protein change: p.Asp401Asn; replaces aspartic acid 401 with asparagine.
Molecular consequence: missense variant.
Genome position (GRCh38, 1-based): chr19:46,756,651, G>A. VCF-style: chr19-46756651-G-A. GRCh37 (hg19) VCF-style: chr19-47259908-G-A.
Other names: c.1201G>A, p.Asp401Asn (NM_001039885.3); short protein forms D401N.
Identifiers: ClinVar variation 551029 (VCV000551029.14), dbSNP rs1555739117, ClinGen allele CA406496853.
Genomic context (GRCh38, chr19:46,756,651, plus strand): 5'-GCAGAGGCCGGCTCGGTGGTGGATGAGCGCGGCTTCGTATGGGAGAAGGCGGTCGAGGGC[G>A]ACTTTTTCCGCGTGCAGTACAGCGAAAGCAACCACTTGCACGTGGACCTGTGGCCCTTCT-3'
Protein context (NP_077277.1, residues 391-411): GFVWEKAVEG[Asp401Asn]FFRVQYSESN

ClinVar aggregate classification (germline): Uncertain significance. Review status: criteria provided, multiple submitters, no conflicts (2 of 4 stars). 5 submissions from 5 submitters: Uncertain significance (4). 1 of the submissions does not count toward it. Last evaluated 2025-12-10.

Conditions:
Cardiovascular phenotype. Identifiers: MedGen CN230736.
Walker-Warburg congenital muscular dystrophy. Also called: Muscular dystrophy-dystroglycanopathy, type A; Walker-Warburg syndrome. Identifiers: Orphanet 899, MedGen C0265221, MONDO:0000171.
Autosomal recessive limb-girdle muscular dystrophy type 2I. Also called: MUSCULAR DYSTROPHY-DYSTROGLYCANOPATHY (LIMB-GIRDLE), TYPE C, 5; MUSCULAR DYSTROPHY-DYSTROGLYCANOPATHY, LIMB-GIRDLE, FRKP-RELATED; MUSCULAR DYSTROPHY, LIMB-GIRDLE, TYPE 2I. Identifiers: Orphanet 34515, MedGen C1846672, MONDO:0011787, OMIM 607155.
Muscular dystrophy-dystroglycanopathy type B5 (MDDGB5). Also called: MUSCULAR DYSTROPHY-DYSTROGLYCANOPATHY (CONGENITAL WITH OR WITHOUT IMPAIRED INTELLECTUAL DEVELOPMENT), TYPE B, 5; MUSCULAR DYSTROPHY, CONGENITAL, 1C; MUSCULAR DYSTROPHY, CONGENITAL, FKRP-RELATED. Identifiers: MedGen C1847759, MONDO:0011688, OMIM 606612.
Muscular dystrophy-dystroglycanopathy (congenital with brain and eye anomalies), type A5. Also called: WALKER-WARBURG SYNDROME OR MUSCLE-EYE-BRAIN DISEASE, FKRP-RELATED; MUSCULAR DYSTROPHY-DYSTROGLYCANOPATHY (CONGENITAL WITH BRAIN AND EYE ANOMALIES), TYPE A, 5. Identifiers: Orphanet 588, Orphanet 899, MedGen C3150413, MONDO:0013157, OMIM 613153.
Muscular dystrophy-dystroglycanopathy (congenital with brain and eye anomalies), type A1 (MDDGA1). Also called: WALKER-WARBURG SYNDROME OR MUSCLE-EYE-BRAIN DISEASE, POMT1-RELATED; Muscular dystrophy-dystroglycanopathy (congenital with brain and eye anomalies), type A, 1; Hydrocephalus, agyria and retinal dysplasia; Hard +/- E syndrome; Warburg syndrome; Chemke syndrome. Identifiers: Orphanet 588, Orphanet 899, MedGen C4284790, MONDO:0009364, OMIM 236670.

Allele frequency attached by ClinVar (database versions not stated): gnomAD exomes 0.00001.

Submissions (5):

Ambry Genetics
Classification: Uncertain significance for Cardiovascular phenotype. Last evaluated: 2025-12-10. Review status: criteria provided, single submitter. Criteria: Ambry Variant Classification Scheme 2023. Collection method: clinical testing. Allele origin: germline.
Comment: The p.D401N variant (also known as c.1201G>A), located in coding exon 1 of the FKRP gene, results from a G to A substitution at nucleotide position 1201. The aspartic acid at codon 401 is replaced by asparagine, an amino acid with highly similar properties. This variant has been detected in the heterozygous state in an individual with congenital muscular dystrophy (Brockington M et al. Am J Hum Genet, 2001 Dec;69:1198-209). This amino acid position is highly conserved in available vertebrate species. In addition, the in silico prediction for this alteration is inconclusive. Since supporting evidence is limited at this time, the clinical significance of this alteration remains unclear.

Blueprint Genetics
Classification: Uncertain significance. Last evaluated: 2024-10-25. Review status: criteria provided, single submitter. Criteria: ACMG Guidelines, 2015. Collection method: clinical testing. Allele origin: germline.

Labcorp Genetics (formerly Invitae), Labcorp
Classification: Uncertain significance for Walker-Warburg congenital muscular dystrophy. Last evaluated: 2023-07-07. Review status: criteria provided, single submitter. Criteria: Invitae Variant Classification Sherloc (09022015). Collection method: clinical testing. Allele origin: germline.
Comment: Advanced modeling of protein sequence and biophysical properties (such as structural, functional, and spatial information, amino acid conservation, physicochemical variation, residue mobility, and thermodynamic stability) has been performed at Invitae for this missense variant, however the output from this modeling did not meet the statistical confidence thresholds required to predict the impact of this variant on FKRP protein function. In summary, the available evidence is currently insufficient to determine the role of this variant in disease. Therefore, it has been classified as a Variant of Uncertain Significance. This variant is not present in population databases (gnomAD no frequency). This sequence change replaces aspartic acid, which is acidic and polar, with asparagine, which is neutral and polar, at codon 401 of the FKRP protein (p.Asp401Asn). This missense change has been observed in individual(s) with clinical features of FKRP-related conditions (PMID: 11592034, 17351538, 19917824). ClinVar contains an entry for this variant (Variation ID: 551029).

Fulgent Genetics
Classification: Uncertain significance for Muscular dystrophy-dystroglycanopathy (congenital with brain and eye anomalies), type A1; Muscular dystrophy-dystroglycanopathy type B5; Autosomal recessive limb-girdle muscular dystrophy type 2I; Muscular dystrophy-dystroglycanopathy (congenital with brain and eye anomalies), type A5. Last evaluated: 2021-09-08. Review status: criteria provided, single submitter. Criteria: ACMG Guidelines, 2015. Collection method: clinical testing. Allele origin: unknown.

Counsyl
Classification: Uncertain significance for Autosomal recessive limb-girdle muscular dystrophy type 2I. Last evaluated: 2017-03-08. Review status: no assertion criteria provided. Collection method: clinical testing. Allele origin: unknown. Not counted in ClinVar's aggregate classification.

Literature cited by the submitters: PubMed 11592034 (cited by 3 submitters); PubMed 17351538 (cited by Labcorp Genetics (formerly Invitae), Labcorp); PubMed 19917824 (cited by Labcorp Genetics (formerly Invitae), Labcorp and Counsyl).